The following is an entry in ClinVar:

ClinVar aggregate classification (germline): Likely benign. Review status: criteria provided, single submitter (1 of 4 stars). 2 submissions from 2 submitters: Likely benign (1). 1 of the submissions does not count toward it. Last evaluated 2024-02-17.

Conditions:
CACNA1C-related disorder. Also called: CACNA1C-related condition; CACNA1C-related disorders. Identifiers: MedGen CN381092, MONDO:0700321.
Long QT syndrome (LQTS). Identifiers: MedGen C0023976, MeSH D008133, MONDO:0002442. Disease mechanism: loss of function. Inheritance: Various modes of inheritance.

Submissions (2):

Labcorp Genetics (formerly Invitae), Labcorp
Classification: Likely benign for Long QT syndrome. Last evaluated: 2024-02-17. Review status: criteria provided, single submitter. Criteria: Invitae Variant Classification Sherloc (09022015). Collection method: clinical testing. Allele origin: germline.

PreventionGenetics, part of Exact Sciences
Classification: Uncertain significance for CACNA1C-related condition. Last evaluated: 2024-09-14. Review status: no assertion criteria provided. Collection method: clinical testing. Allele origin: germline. Not counted in ClinVar's aggregate classification.
Comment: The CACNA1C c.2854A>G variant is predicted to result in the amino acid substitution p.Ile952Val. To our knowledge, this variant has not been reported in the literature or in a large population database, indicating this variant is rare. At this time, the clinical significance of this variant is uncertain due to the absence of conclusive functional and genetic evidence.

NM_000719.7(CACNA1C):c.2853+148A>G

Gene: CACNA1C (calcium voltage-gated channel subunit alpha1 C; plus strand). Cytogenetic location: 12p13.33.
Variant type: single nucleotide variant.
Coding change: c.2853+148A>G on transcript NM_000719.7 (MANE Select); 148 bases into the intron after coding-DNA position 2853, A replaced by G.
Molecular consequence: intron variant. On other transcripts: missense variant (11).
Genome position (GRCh38, 1-based): chr12:2,597,437, A>G. VCF-style: chr12-2597437-A-G. GRCh37 (hg19) VCF-style: chr12-2706603-A-G.
Other names: c.2854A>G, p.Ile952Val (NM_001129827.2, NM_001129832.2, NM_199460.4); c.2794A>G, p.Ile932Val (NM_001129830.3, NM_001129835.2, NM_001129836.2 and 5 more transcripts); c.2853+148A>G (NM_001167624.3, NM_001167623.2, NM_001167625.2 and 7 more transcripts); c.2844+148A>G (NM_001129844.2); c.2854A>G (NM_199460.3); short protein forms I952V, I932V.
Identifiers: ClinVar variation 940731 (VCV000940731.11), dbSNP rs2068901363, ClinGen allele CA383372812.
Genomic context (GRCh38, chr12:2,597,437, plus strand): 5'-CTTCCTGTTGGTGTGGGGTTCACTCTCAGAGCCACTAATCCAATTATGCTTATTTTTCAG[A>G]TCCTAGGCAATGCAGACTATGTCTTCACTAGTATCTTTACATTAGAAATTATCCTTAAGG-3'